The following is an entry in ClinVar:

ClinVar aggregate classification (germline): Uncertain significance. Review status: criteria provided, multiple submitters, no conflicts (2 of 4 stars). 2 submissions from 2 submitters: Uncertain significance (2). Last evaluated 2024-03-11.

Conditions:
Joubert syndrome 30. Identifiers: MedGen C4539937, MONDO:0033308, OMIM 617622.

Submissions (2):

Labcorp Genetics (formerly Invitae), Labcorp
Classification: Uncertain significance. Last evaluated: 2024-03-11. Review status: criteria provided, single submitter. Criteria: Invitae Variant Classification Sherloc (09022015). Collection method: clinical testing. Allele origin: germline.
Comment: This variant, c.2140_2142dup, results in the insertion of 1 amino acid(s) of the ARMC9 protein (p.Ile714dup), but otherwise preserves the integrity of the reading frame. This variant is present in population databases (no rsID available, gnomAD 0.08%). This variant has not been reported in the literature in individuals affected with ARMC9-related conditions. Experimental studies and prediction algorithms are not available or were not evaluated, and the functional significance of this variant is currently unknown. In summary, the available evidence is currently insufficient to determine the role of this variant in disease. Therefore, it has been classified as a Variant of Uncertain Significance.

Juno Genomics, Hangzhou Juno Genomics, Inc
Classification: Uncertain significance for Joubert syndrome 30. Review status: criteria provided, single submitter. Criteria: ACMG Guidelines, 2015. Collection method: clinical testing. Allele origin: germline.
Comment: Absent from controls (or at extremely low frequency if recessive) in Genome Aggregation Database.;Protein length changes due to in-frame deletions/insertions in a non-repeat region or stop-loss variants.

NM_001352754.2(ARMC9):c.2137ATC[3] (p.Ile714dup)

Genes: ARMC9 (armadillo repeat containing 9; plus strand), LOC122861306 (Sharpr-MPRA regulatory region 9410; plus strand). Cytogenetic location: 2q37.1.
Variant type: Microsatellite.
Coding change: c.2137ATC[3] on transcript NM_001352754.2 (MANE Select); three copies in a row of the 3-base unit ATC starting at c.2137; the reference has two copies in a row; one copy, 3 bases duplicated; also written c.2140_2142dup.
Protein change: p.Ile714dup; duplicates isoleucine 714.
Molecular consequence: inframe insertion.
Genome position (GRCh38, 1-based): chr2:231,360,762-231,360,764, ATC duplicated; duplicating any 3 consecutive bases within chr2:231,360,758-231,360,764 gives the same sequence; the position shown is the placement nearest the transcript's 3' end. VCF-style (leftmost placement, unchanged base first): chr2-231360757-C-CCAT. GRCh37 (hg19) VCF-style: chr2-232225469-C-CCAT.
Other names: c.2137ATC[3], p.Ile714dup (NM_001271466.4); c.2140_2142dup (NM_001352754.2).
Identifiers: ClinVar variation 1056702 (VCV001056702.10), dbSNP rs1360829663, ClinGen allele CA539961975.
Genomic context (GRCh38, chr2:231,360,757, plus strand): 5'-CATCCTTAGAGGGGCTCCAGAGCAGATGTGGACTGAACTTTCTCTCCTCCTCCCCAGCAG[C>CCAT]CATCATCGCCAAGCCAGGAGAGTGGCTCCCAAGAGGACGCCAGGAAGAGCCTCGCCCAGC-3'